The following is an entry in ClinVar:

NM_014633.5(CTR9):c.1864C>G (p.Arg622Gly)

Gene: CTR9 (CTR9 component of Paf1/RNA polymerase II complex; plus strand). Cytogenetic location: 11p15.4.
Variant type: single nucleotide variant.
Coding change: c.1864C>G on transcript NM_014633.5 (MANE Select); coding-DNA position 1864, C replaced by G.
Protein change: p.Arg622Gly; replaces arginine 622 with glycine.
Molecular consequence: missense variant.
Genome position (GRCh38, 1-based): chr11:10,767,983, C>G. VCF-style: chr11-10767983-C-G. GRCh37 (hg19) VCF-style: chr11-10789530-C-G.
Other names: c.1864C>G, p.Arg622Gly (NM_001346279.2); short protein forms R622G.
Identifiers: ClinVar variation 2892888 (VCV002892888.3), dbSNP rs1314433915, ClinGen allele CA379673751.
Genomic context (GRCh38, chr11:10,767,983, plus strand): 5'-TATTCTATGCTAGCCCTTGGCAACGTGTGGCTCCAAACTTTACATCAGCCCACCCGAGAT[C>G]GAGAAAAGGTAATCTCTTTTTGTCCTTTTAAACAAAACTGATACTCTACATTCTCGTTTG-3'
Protein context (NP_055448.1, residues 612-632): LQTLHQPTRD[Arg622Gly]EKEKRHQDRA

ClinVar aggregate classification (germline): Uncertain significance (1 of 4 stars; one submission).

gnomAD v4.1: 45 of 1,613,608 alleles (0.0028%); highest among the groups gnomAD compares: Non-Finnish European, 0.0034%; no homozygotes.

Submission:

Labcorp Genetics (formerly Invitae), Labcorp
Classification: Uncertain significance. Last evaluated: 2022-11-24. Review status: criteria provided, single submitter. Criteria: Invitae Variant Classification Sherloc (09022015). Collection method: clinical testing. Allele origin: germline.
Comment: This sequence change replaces arginine, which is basic and polar, with glycine, which is neutral and non-polar, at codon 622 of the CTR9 protein (p.Arg622Gly). This variant is present in population databases (no rsID available, gnomAD 0.002%). This variant has not been reported in the literature in individuals affected with CTR9-related conditions. Algorithms developed to predict the effect of missense changes on protein structure and function are either unavailable or do not agree on the potential impact of this missense change (SIFT: "Deleterious"; PolyPhen-2: "Benign"; Align-GVGD: "Class C0"). In summary, the available evidence is currently insufficient to determine the role of this variant in disease. Therefore, it has been classified as a Variant of Uncertain Significance.